The following is an entry in ClinVar:

ClinVar aggregate classification (germline): Benign/Likely benign. Review status: criteria provided, multiple submitters, no conflicts (2 of 4 stars). 3 submissions from 3 submitters: Benign (1); Likely benign (2). Last evaluated 2026-05-12.

Conditions:
FGFR3-related disorder. Also called: FGFR3-related disorders.

Allele frequency attached by ClinVar (database versions not stated): ExAC 0.00020; TOPMed 0.00004; gnomAD exomes 0.00005; gnomAD 0.00006.
gnomAD v4.1: 77 of 1,573,546 alleles (0.0049%); highest among the groups gnomAD compares: Admixed American, 0.0036%; no homozygotes.

Submissions (3):

PreventionGenetics, part of Exact Sciences
Classification: Likely benign for FGFR3-related condition. Last evaluated: 2026-05-12. Review status: criteria provided, single submitter. Criteria: ACMG Guidelines, 2015. Collection method: clinical testing. Allele origin: germline.
Comment: This variant is classified as likely benign based on ACMG/AMP sequence variant interpretation guidelines (Richards et al. 2015 PMID: 25741868, with internal and published modifications).

Blueprint Genetics
Classification: Likely benign. Last evaluated: 2024-10-01. Review status: criteria provided, single submitter. Criteria: ACMG Guidelines, 2015. Collection method: clinical testing. Allele origin: germline.

Labcorp Genetics (formerly Invitae), Labcorp
Classification: Benign. Last evaluated: 2024-08-18. Review status: criteria provided, single submitter. Criteria: Invitae Variant Classification Sherloc (09022015). Collection method: clinical testing. Allele origin: germline.

NM_000142.5(FGFR3):c.2275-8G>A

Gene: FGFR3 (fibroblast growth factor receptor 3; plus strand). Cytogenetic location: 4p16.3.
Variant type: single nucleotide variant.
Coding change: c.2275-8G>A on transcript NM_000142.5 (MANE Select); 8 bases into the intron before coding-DNA position 2275, G replaced by A.
Molecular consequence: intron variant.
Genome position (GRCh38, 1-based): chr4:1,807,108, G>A. VCF-style: chr4-1807108-G-A. GRCh37 (hg19) VCF-style: chr4-1808835-G-A.
Other names: c.2281-8G>A (NM_001163213.2); c.2278-8G>A (NM_001354809.2); c.2207-8G>A (NM_001354810.2); c.1939-8G>A (NM_022965.4); c.2275-8G>A (NM_000142.4).
Identifiers: ClinVar variation 2727364 (VCV002727364.5), dbSNP rs749365147, ClinGen allele CA2810820.